The following is an entry in ClinVar:

NM_000038.6(APC):c.2186T>C (p.Leu729Pro)

Gene: APC (APC regulator of Wnt signaling pathway; plus strand). Cytogenetic location: 5q22.2.
Variant type: single nucleotide variant.
Coding change: c.2186T>C on transcript NM_000038.6 (MANE Select); coding-DNA position 2186, T replaced by C.
Protein change: p.Leu729Pro; replaces leucine 729 with proline.
Molecular consequence: missense variant.
Genome position (GRCh38, 1-based): chr5:112,837,780, T>C. VCF-style: chr5-112837780-T-C. GRCh37 (hg19) VCF-style: chr5-112173477-T-C.
Other names: c.2186T>C, p.Leu729Pro (NM_001127510.3, NM_001354895.2); c.2132T>C, p.Leu711Pro (NM_001127511.3); c.2240T>C, p.Leu747Pro (NM_001354896.2); c.2216T>C, p.Leu739Pro (NM_001354897.2); c.2111T>C, p.Leu704Pro (NM_001354898.2); c.2102T>C, p.Leu701Pro (NM_001354899.2); c.2063T>C, p.Leu688Pro (NM_001354900.2); c.2009T>C, p.Leu670Pro (NM_001354901.2); and 5 more; short protein forms L446P, L569P, L603P, L628P, L638P, L670P, L688P, L701P.
Identifiers: ClinVar variation 1004817 (VCV001004817.14), dbSNP rs1765122532, ClinGen allele CA16026121.
Genomic context (GRCh38, chr5:112,837,780, plus strand): 5'-ACCTCATTCATTCAAAGCACAAAATGATTGCTATGGGAAGTGCTGCAGCTTTAAGGAATC[T>C]CATGGCAAATAGGCCTGCGAAGTACAAGGATGCCAATATTATGTCTCCTGGCTCAAGCTT-3'
Protein context (NP_000029.2, residues 719-739): AMGSAAALRN[Leu729Pro]MANRPAKYKD

ClinVar aggregate classification (germline): Conflicting classifications of pathogenicity. Review status: criteria provided, conflicting classifications (1 of 4 stars). 2 submissions from 2 submitters: Likely pathogenic (1); Uncertain significance (1). Last evaluated 2026-01-28.

Conditions:
Hereditary cancer-predisposing syndrome. Also called: Hereditary Cancer Syndrome; Neoplastic Syndromes, Hereditary; Tumor predisposition; Hereditary neoplastic syndrome. Identifiers: Orphanet 140162, MedGen C0027672, MeSH D009386, MONDO:0015356.
Familial adenomatous polyposis 1 (FAP1). Also called: FAMILIAL ADENOMATOUS POLYPOSIS 1, ATTENUATED; POLYPOSIS, ADENOMATOUS INTESTINAL. Identifiers: MedGen C2713442, MONDO:0021056, OMIM 175100. Disease mechanism: loss of function.

Submissions (2):

Ambry Genetics
Classification: Likely pathogenic for Hereditary cancer-predisposing syndrome. Last evaluated: 2026-01-28. Review status: criteria provided, single submitter. Criteria: Ambry Variant Classification Scheme 2023. Collection method: clinical testing. Allele origin: germline.
Comment: The p.L729P variant (also known as c.2186T>C), located in coding exon 15 of the APC gene, results from a T to C substitution at nucleotide position 2186. The leucine at codon 729 is replaced by proline, an amino acid with similar properties. This variant was reported in individuals with features consistent with APC-related familial adenomatous polyposis (Ambry internal data). This amino acid position is highly conserved in available vertebrate species. In silico predictors for this gene do not accurately predict pathogenicity. Based on internal structural analysis, this variant is anticipated to result in a significant decrease in structural stability (Ambry internal data). Based on the majority of available evidence to date, this variant is likely to be pathogenic.

Labcorp Genetics (formerly Invitae), Labcorp
Classification: Uncertain significance for Familial adenomatous polyposis 1. Last evaluated: 2017-05-04. Review status: criteria provided, single submitter. Criteria: Invitae Variant Classification Sherloc (09022015). Collection method: clinical testing. Allele origin: germline.
Comment: In summary, this variant is a novel missense change with uncertain impact on protein function. It has been classified as a Variant of Uncertain Significance. Algorithms developed to predict the effect of missense changes on protein structure and function (SIFT, PolyPhen-2, Align-GVGD) all suggest that this variant is likely to be disruptive, but these predictions have not been confirmed by published functional studies. This variant is not present in population databases (ExAC no frequency) and has not been reported in the literature in individuals with an APC-related disease. This sequence change replaces leucine with proline at codon 729 of the APC protein (p.Leu729Pro). The leucine residue is highly conserved and there is a moderate physicochemical difference between leucine and proline.